The following is an entry in ClinVar:

NM_001017974.2(P4HA2):c.601G>C (p.Glu201Gln)

Gene: P4HA2 (prolyl 4-hydroxylase subunit alpha 2; minus strand). Cytogenetic location: 5q31.1.
Variant type: single nucleotide variant.
Coding change: c.601G>C on transcript NM_001017974.2 (MANE Select); coding-DNA position 601, G replaced by C.
Protein change: p.Glu201Gln; replaces glutamic acid 201 with glutamine.
Molecular consequence: missense variant.
Genome position (GRCh38, 1-based): chr5:132,210,392, C>G on the plus strand (G>C on the coding strand, the complement: P4HA2 is on the minus strand). VCF-style: chr5-132210392-C-G. GRCh37 (hg19) VCF-style: chr5-131546085-C-G.
Other names: c.601G>C, p.Glu201Gln (NM_001142598.2, NM_001142599.2, NM_001365677.2 and 5 more transcripts); short protein forms E201Q.
Identifiers: ClinVar variation 4082191 (VCV004082191.2).

ClinVar aggregate classification (germline): Likely pathogenic. Review status: criteria provided, multiple submitters, no conflicts (2 of 4 stars). 2 submissions from 2 submitters: Likely pathogenic (2). Last evaluated 2025-09-13.

Conditions:
Myopia 25, autosomal dominant (MYP25). Identifiers: MedGen C4310655, MONDO:0014982, OMIM 617238.
High myopia, early-onset. Identifiers: MedGen C5394216.

Submissions (2):

Ningxia Clinical Research Institute, People's Hospital of Ningxia Hui Autonomous Region
Classification: Likely pathogenic for Myopia 25, autosomal dominant. Last evaluated: 2025-09-13. Review status: criteria provided, single submitter. Criteria: ACMG Guidelines, 2015. Collection method: clinical testing. Allele origin: inherited. Inheritance: Autosomal dominant inheritance with paternal imprinting. Affected: yes. Observed: 1 heterozygote.
Comment: ACMG guidelines: 1. 2. Such a heterozygous variant was not previously reported and detected in databases such as 1000 genomes, ESP6500, ExAC_ALL and ExAC_EAS(PM2_Moderate). Numerous bioinformatics computing software demonstrated this variant's detrimental effects (PP3_Supporting). 3. proteome conservation analysis showed that the amino acid at site 201 was highly conserved across several species, suggesting that variations at this point are probably going to affect the P4HA2 protein's structure and function (PP3_Supporting). 4. The 201st amino acid of the wild-type P4HA2 protein is a negatively charged polar glutamic acid, located in the corner region of two helical structures and does not interact polarly with the surrounding amino acids. The p. Glu201Gln mutation results in the replacement of glutamic acid with an uncharged polar glutamine, and this substitution does not lead to polar interactions. These changes in the properties of the amino acids may lead to functional alterations. The clinical signs of the proband were in line with having high myopia (PP4_Supporting). 5. Such a variant was regarded as pathogenic subject to a genetic testing report from a reliable reputable source(PP5_Supporting). 6.Protein-structure modeling indicated that the p.Glu201Gln substitution replaces the negatively-charged glutamic acid with an uncharged, polar glutamine, abolishing the native polar interactions at this site.

Ophthalmic Genetics and Bioinformatics Laboratory, Shanghai Puxi and Light Genomics Technology Co., Ltd.
Classification: Likely pathogenic for High myopia, early-onset. Last evaluated: 2021-02-01. Review status: criteria provided, single submitter. Criteria: Standards And Guidelines For The Interpretation Of Sequence Variants. Collection method: clinical testing. Allele origin: paternal. Affected: yes.